The following is an entry in ClinVar:

ClinVar aggregate classification (germline): Uncertain significance (1 of 4 stars; one submission).

Conditions:
Long QT syndrome (LQTS). Identifiers: MedGen C0023976, MeSH D008133, MONDO:0002442. Disease mechanism: loss of function. Inheritance: Various modes of inheritance.

Submission:

All of Us Research Program, National Institutes of Health
Classification: Uncertain significance for Long QT syndrome. Last evaluated: 2023-05-04. Review status: criteria provided, single submitter. Criteria: ACMG Guidelines, 2015. Collection method: clinical testing. Allele origin: germline. Inheritance: Autosomal dominant inheritance. Observed: 1 variant allele, 1 heterozygote.
Comment: This missense variant replaces phenylalanine with leucine at codon 701 of the KCNH2 protein. Computational prediction suggests that this variant may have deleterious impact on protein structure and function (internally defined REVEL score threshold >= 0.7, PMID: 27666373). To our knowledge, functional studies have not been reported for this variant. This variant has not been reported in individuals affected with KCNH2-related disorders in the literature. This variant has not been identified in the general population by the Genome Aggregation Database (gnomAD). The available evidence is insufficient to determine the role of this variant in disease conclusively. Therefore, this variant is classified as a Variant of Uncertain Significance.

This study involves interpretation of variants in research participants for the purpose of population health screening. Participant phenotype was not available at the time of variant classification. Additional details can be found in publication PMID: 35346344, PMCID: PMC8962531

NM_000238.4(KCNH2):c.2101T>C (p.Phe701Leu)

Gene: KCNH2 (potassium voltage-gated channel subfamily H member 2; minus strand). Cytogenetic location: 7q36.1.
Variant type: single nucleotide variant.
Coding change: c.2101T>C on transcript NM_000238.4 (MANE Select); coding-DNA position 2101, T replaced by C.
Protein change: p.Phe701Leu; replaces phenylalanine 701 with leucine.
Molecular consequence: missense variant. On other transcripts: non-coding transcript variant (2).
Genome position (GRCh38, 1-based): chr7:150,950,965, A>G on the plus strand (T>C on the coding strand, the complement: KCNH2 is on the minus strand). VCF-style: chr7-150950965-A-G. GRCh37 (hg19) VCF-style: chr7-150648053-A-G.
Other names: c.1081T>C, p.Phe361Leu (NM_001204798.2, NM_172057.3); c.1813T>C, p.Phe605Leu (NM_001406753.1, NM_001406756.1); c.1924T>C, p.Phe642Leu (NM_001406755.1); c.1801T>C, p.Phe601Leu (NM_001406757.1); c.2101T>C, p.Phe701Leu (NM_172056.3); short protein forms F361L, F601L, F605L, F642L, F701L.
Identifiers: ClinVar variation 3070739 (VCV003070739.1), dbSNP rs2486030682, ClinGen allele CA369857427.
Genomic context (GRCh38, chr7:150,950,965, plus strand): 5'-GCTCTGGTGGCCTCACCGCGTTCATGTCGATGCCGTTGGTGTAGGACCAGGCGTGCTGGA[A>G]GTACTCCTCGAGGCGCTGGCGCAGGGGATTGGGGATCTGGTGGAAGCGGATGAACTCCCG-3'
Protein context (NP_000229.1, residues 691-711): NPLRQRLEEY[Phe701Leu]QHAWSYTNGI